The following is an entry in ClinVar:

ClinVar aggregate classification (germline): Pathogenic/Likely pathogenic. Review status: criteria provided, multiple submitters, no conflicts (2 of 4 stars). 2 submissions from 2 submitters: Pathogenic (1); Likely pathogenic (1). Last evaluated 2026-02-16.

Conditions:
Cystic fibrosis (CF). Also called: MUCOVISCIDOSIS. Identifiers: Orphanet 586, MedGen C0010674, MONDO:0009061, OMIM 219700. Disease mechanism: loss of function.
Bronchiectasis with or without elevated sweat chloride 1 (BESC1). Also called: Cystic Fibrosis-Like Syndrome. Identifiers: Orphanet 60033, MedGen C2749757, MONDO:0008887, OMIM 211400.

Submissions (2):

Women's Health and Genetics/Laboratory Corporation of America, LabCorp
Classification: Pathogenic for Cystic fibrosis. Last evaluated: 2026-02-16. Review status: criteria provided, single submitter. Criteria: LabCorp Variant Classification Summary - May 2015. Collection method: clinical testing. Allele origin: germline.
Comment: Variant summary: CFTR c.4262_4263delTG (p.Val1421AlafsX40) results in a premature termination codon in the last exon, predicted to cause a truncation of the encoded protein however, nonsense mediated decay is not expected to occur. The variant was absent in 250530 control chromosomes. To our knowledge, no occurrence of c.4262_4263delTG in individuals affected with CFTR-related conditions and no experimental evidence demonstrating its impact on protein function have been reported. At least one downstream variant has been classified as Pathogenic/Likely Pathogenic (c.4426C>T, p.Gln1476*) by our lab, providing evidence that the region altered by the variant is critical to protein function. ClinVar contains an entry for this variant (Variation ID: 2680713). Based on the evidence outlined above, the variant was classified as pathogenic.

Baylor Genetics
Classification: Likely pathogenic for Bronchiectasis with or without elevated sweat chloride 1. Last evaluated: 2023-02-26. Review status: criteria provided, single submitter. Criteria: ACMG Guidelines, 2015. Collection method: clinical testing. Allele origin: unknown.

NM_000492.4(CFTR):c.4262_4263del (p.Val1421fs)

Genes: CFTR (CF transmembrane conductance regulator; plus strand), LOC111674477 (CFTR intron 23 enhancer; plus strand). Cytogenetic location: 7q31.2.
Variant type: Deletion.
Coding change: c.4262_4263del on transcript NM_000492.4 (MANE Select); coding-DNA positions 4262 to 4263, 2 bases deleted (TG; older notation c.4262_4263delTG).
Protein change: p.Val1421fs; shifts the reading frame from valine 1421.
Molecular consequence: frameshift variant.
Genome position (GRCh38, 1-based): chr7:117,666,927-117,666,928, TG deleted; deleting any 2 consecutive bases within chr7:117,666,926-117,666,928 gives the same sequence; the c. name uses the placement nearest the transcript's 3' end. VCF-style (leftmost placement, unchanged base first): chr7-117666925-AGT-A. GRCh37 (hg19) VCF-style: chr7-117306979-AGT-A.
Other names: c.4262_4263delTG (NM_000492.4); short protein forms V1421fs.
Identifiers: ClinVar variation 2680713 (VCV002680713.2), dbSNP rs2485185464, ClinGen allele CA2695199635.
Genomic context (GRCh38, chr7:117,666,925, plus strand): 5'-ACCTGCCTTCTGTCCCAGATCTCACTAACAGCCATTTCCCTAGGTCATAGAAGAGAACAA[AGT>A]GCGGCAGTACGATTCCATCCAGAAACTGCTGAACGAGAGGAGCCTCTTCCGGCAAGCCAT-3'